The following is an entry in ClinVar:

NM_001297595.2(SIN3B):c.1681C>A (p.Arg561=)

Gene: SIN3B (SIN3 transcription regulator family member B; plus strand). Cytogenetic location: 19p13.11.
Variant type: single nucleotide variant.
Coding change: c.1681C>A on transcript NM_001297595.2 (MANE Select); coding-DNA position 1681, C replaced by A.
Protein change: p.Arg561=; no amino-acid change (arginine 561 retained).
Molecular consequence: synonymous variant.
Genome position (GRCh38, 1-based): chr19:16,866,431, C>A. VCF-style: chr19-16866431-C-A. GRCh37 (hg19) VCF-style: chr19-16977242-C-A.
Other names: c.451C>A, p.Arg151= (NM_001297597.2); c.1777C>A, p.Arg593= (NM_015260.4).
Identifiers: ClinVar variation 4872557 (VCV004872557.2).

ClinVar aggregate classification (germline): Likely benign (1 of 4 stars; one submission).

Submission:

CeGaT Center for Human Genetics Tuebingen
Classification: Likely benign. Last evaluated: 2026-05-01. Review status: criteria provided, single submitter. Criteria: CeGaT Center For Human Genetics Tuebingen Variant Classification Criteria Version 2. Collection method: clinical testing. Allele origin: germline. Affected: yes. Observed: 1 variant allele.
Comment: SIN3B: BP4, BP7